The following is an entry in ClinVar:

NM_000540.3(RYR1):c.5460C>T (p.Arg1820=)

Gene: RYR1 (ryanodine receptor 1; plus strand). Cytogenetic location: 19q13.2.
Variant type: single nucleotide variant.
Coding change: c.5460C>T on transcript NM_000540.3 (MANE Select); coding-DNA position 5460, C replaced by T.
Protein change: p.Arg1820=; no amino-acid change (arginine 1820 retained).
Molecular consequence: synonymous variant.
Genome position (GRCh38, 1-based): chr19:38,486,115, C>T. VCF-style: chr19-38486115-C-T. GRCh37 (hg19) VCF-style: chr19-38976755-C-T.
Other names: c.5460C>T, p.Arg1820= (NM_001042723.2).
Identifiers: ClinVar variation 695619 (VCV000695619.12), dbSNP rs1193082244, ClinGen allele CA507353470.

ClinVar aggregate classification (germline): Likely benign. Review status: criteria provided, multiple submitters, no conflicts (2 of 4 stars). 4 submissions from 4 submitters: Likely benign (4). Last evaluated 2024-08-19.

Conditions:
Central core myopathy (CMYO1A). Also called: CONGENITAL MYOPATHY 1A, AUTOSOMAL DOMINANT, WITH SUSCEPTIBILITY TO MALIGNANT HYPERTHERMIA; Central core disease; Myopathy, central fibrillar. Identifiers: Orphanet 597, MedGen C5830701, MONDO:0007294, OMIM 117000.
Congenital multicore myopathy with external ophthalmoplegia (CMYO1B). Also called: MULTIMINICORE DISEASE WITH EXTERNAL OPHTHALMOPLEGIA; Minicore myopathy with external ophthalmoplegia; Congenital myopathy 1B, autosomal recessive; Minicore myopathy; MULTICORE MYOPATHY. Identifiers: Orphanet 598, Orphanet 98905, MedGen C1850674, MONDO:0009712, OMIM 255320, HP:0003789.
Malignant hyperthermia, susceptibility to, 1 (MHS1). Also called: RYR1-Related Malignant Hyperthermia Susceptibility; Anesthesia related hyperthermia; Malignant hyperpyrexia; Fulminating hyperpyrexia; Pharmacogenic myopathy; Malignant hyperthermia suceptibility 1. Identifiers: Orphanet 423, MedGen C2930980, MONDO:0007783, OMIM 145600.
Congenital myopathy with fiber type disproportion. Also called: Congenital fiber-type disproportion; Congenital fiber-type disproportion myopathy. Identifiers: Orphanet 2020, MedGen C0546264, MONDO:0009711. Inheritance: all.
King Denborough syndrome (KDS). Identifiers: MedGen C1840365, MONDO:0020485, OMIM 619542.
RYR1-related disorder. Also called: RYR1-related disorders; RYR1-related condition. Identifiers: MedGen CN239331.

Allele frequency attached by ClinVar (database versions not stated): gnomAD exomes below 0.00001.
gnomAD v4.1: 2 of 1,612,982 alleles (0.00012%); highest among the groups gnomAD compares: Non-Finnish European, 0.00017%; no homozygotes.

Submissions (4):

Labcorp Genetics (formerly Invitae), Labcorp
Classification: Likely benign for RYR1-related disorder. Last evaluated: 2024-08-19. Review status: criteria provided, single submitter. Criteria: Invitae Variant Classification Sherloc (09022015). Collection method: clinical testing. Allele origin: germline.

All of Us Research Program, National Institutes of Health
Classification: Likely benign for Malignant hyperthermia, susceptibility to, 1. Last evaluated: 2024-06-09. Review status: criteria provided, single submitter. Criteria: ACMG Guidelines, 2015. Collection method: clinical testing. Allele origin: germline. Inheritance: Autosomal dominant inheritance. Observed: 2 variant alleles, 2 heterozygotes.
Comment: This study involves interpretation of variants in research participants for the purpose of population health screening. Participant phenotype was not available at the time of variant classification. Additional details can be found in publication PMID: 35346344, PMCID: PMC8962531

Color Diagnostics, LLC DBA Color Health
Classification: Likely benign for Malignant hyperthermia, susceptibility to, 1. Last evaluated: 2023-11-07. Review status: criteria provided, single submitter. Criteria: ACMG Guidelines, 2015. Collection method: clinical testing. Allele origin: germline.

Fulgent Genetics
Classification: Likely benign for Central core myopathy; Malignant hyperthermia, susceptibility to, 1; Congenital myopathy 4A, autosomal dominant; Congenital multicore myopathy with external ophthalmoplegia; King Denborough syndrome. Last evaluated: 2021-09-29. Review status: criteria provided, single submitter. Criteria: ACMG Guidelines, 2015. Collection method: clinical testing. Allele origin: unknown.